The following is an entry in ClinVar:

NM_001001433.3(STX16):c.*1785A>G

Genes: STX16 (syntaxin 16; plus strand), STX16-NPEPL1 (STX16-NPEPL1 readthrough (NMD candidate); plus strand). Cytogenetic location: 20q13.32.
Variant type: single nucleotide variant.
Coding change: c.*1785A>G on transcript NM_001001433.3 (MANE Select); 1785 bases downstream of the stop codon, A replaced by G.
Molecular consequence: 3 prime UTR variant. On other transcripts: non-coding transcript variant (3).
Genome position (GRCh38, 1-based): chr20:58,678,076, A>G. VCF-style: chr20-58678076-A-G. GRCh37 (hg19) VCF-style: chr20-57253132-A-G.
Other names: c.*1785A>G (NM_001134772.3, NM_001134773.3, NM_001204868.2 and 1 more transcripts).
Identifiers: ClinVar variation 339081 (VCV000339081.6), dbSNP rs6128397, ClinGen allele CA10650067.

ClinVar aggregate classification (germline): Benign. Review status: criteria provided, multiple submitters, no conflicts (2 of 4 stars). 2 submissions from 2 submitters: Benign (2). Last evaluated 2018-01-13.

Conditions:
Pseudohypoparathyroidism type 1B (PHP1B). Also called: PHP IB; Pseudohypoparathyroidism Ib (PHP-Ib); Pseudohypoparathyroidism Type IB. Identifiers: Orphanet 94089, MedGen C1864100, MONDO:0011301, OMIM 603233.

Allele frequency attached by ClinVar (database versions not stated): 1000 Genomes Project 30x 0.53139; 1000 Genomes Project 0.53934; TOPMed 0.59118; gnomAD 0.60588 and 0.60609; gnomAD exomes 0.65385.
gnomAD v4.1: 92,397 of 152,078 alleles (61%); highest among the groups gnomAD compares: Non-Finnish European, 71%; 29,170 homozygotes.

Submissions (2):

Illumina Laboratory Services, Illumina
Classification: Benign for Pseudohypoparathyroidism type 1B. Last evaluated: 2018-01-13. Review status: criteria provided, single submitter. Criteria: ICSL Variant Classification Criteria 13 December 2019. Collection method: clinical testing. Allele origin: germline.
Comment: This variant was observed in the ICSL laboratory as part of a predisposition screen in an ostensibly healthy population. It had not been previously curated by ICSL or reported in the Human Gene Mutation Database (HGMD: prior to June 1st, 2018), and was therefore a candidate for classification through an automated scoring system. Utilizing variant allele frequency, disease prevalence and penetrance estimates, and inheritance mode, an automated score was calculated to assess if this variant is too frequent to cause the disease. Based on the score and internal cut-off values, a variant classified as benign is not then subjected to further curation. The score for this variant resulted in a classification of benign for this disease.

Breakthrough Genomics
Classification: Benign. Review status: criteria provided, single submitter. Criteria: ACMG Guidelines, 2015. Collection method: not provided. Allele origin: germline. Inheritance: Autosomal dominant inheritance. Affected: yes.